The following is an entry in ClinVar:

ClinVar aggregate classification (germline): Pathogenic/Likely pathogenic. Review status: criteria provided, multiple submitters, no conflicts (2 of 4 stars). 2 submissions from 2 submitters: Pathogenic (1); Likely pathogenic (1). Last evaluated 2024-08-29.

Conditions:
Familial dysautonomia. Also called: HSAN III; FD. Identifiers: Orphanet 1764, MedGen C0013364, MONDO:0009131, OMIM 223900. Disease mechanism: loss of function.

Submissions (2):

Natera, Inc.
Classification: Likely pathogenic for Familial dysautonomia. Last evaluated: 2024-08-29. Review status: criteria provided, single submitter. Criteria: Natera Variant Classification Schema (03/2026). Collection method: clinical testing. Allele origin: germline.
Comment: The c.1483_1505del variant in ELP1 is a frameshift variant predicted to shift the reading frame beginning at codon 495 and leads to a stop codon 8 codons downstream. This variant is expected to result in nonsense mediated decay, truncation, or a dysfunctional protein product. This variant is rare in the general population with a frequency below the threshold expected for the associated phenotype(s). Given the available evidence, this variant is classified as Likely Pathogenic.

Labcorp Genetics (formerly Invitae), Labcorp
Classification: Pathogenic. Last evaluated: 2023-12-03. Review status: criteria provided, single submitter. Criteria: Invitae Variant Classification Sherloc (09022015). Collection method: clinical testing. Allele origin: germline.
Comment: This sequence change creates a premature translational stop signal (p.Asp495Thrfs*8) in the ELP1 gene. It is expected to result in an absent or disrupted protein product. Loss-of-function variants in ELP1 are known to be pathogenic (PMID: 18303054, 24173031). This variant is not present in population databases (gnomAD no frequency). This variant has not been reported in the literature in individuals affected with ELP1-related conditions. For these reasons, this variant has been classified as Pathogenic.

Literature cited by the submitters: PubMed 18303054 (cited by Labcorp Genetics (formerly Invitae), Labcorp); PubMed 24173031 (cited by Labcorp Genetics (formerly Invitae), Labcorp).

NM_003640.5(ELP1):c.1483_1505del (p.Asp495fs)

Gene: ELP1 (elongator acetyltransferase complex subunit 1; minus strand). Cytogenetic location: 9q31.3.
Variant type: Deletion.
Coding change: c.1483_1505del on transcript NM_003640.5 (MANE Select); coding-DNA positions 1483 to 1505, 23 bases deleted (GATCAAGATGTAAACCCGCTGAA).
Protein change: p.Asp495fs; shifts the reading frame from aspartic acid 495.
Molecular consequence: frameshift variant.
Genome position (GRCh38, 1-based): chr9:108,906,441-108,906,463, TTCAGCGGGTTTACATCTTGATC deleted on the plus strand (GATCAAGATGTAAACCCGCTGAA on the coding strand, the reverse complement: ELP1 is on the minus strand); deleting any 23 consecutive bases within chr9:108,906,441-108,906,467 gives the same sequence; the c. name uses the placement nearest the transcript's 3' end. VCF-style (leftmost placement, unchanged base first): chr9-108906440-TTTCAGCGGGTTTACATCTTGATC-T. GRCh37 (hg19) VCF-style: chr9-111668720-TTTCAGCGGGTTTACATCTTGATC-T.
Other names: c.1141_1163del, p.Asp381fs (NM_001318360.2); c.436_458del, p.Asp146fs (NM_001330749.2); c.1483_1505del (NM_003640.4); short protein forms D381fs, D495fs, D146fs.
Identifiers: ClinVar variation 2866146 (VCV002866146.4), dbSNP rs2537912945, ClinGen allele CA2739264942.